The following is an entry in ClinVar:

NM_198578.4(LRRK2):c.6536T>C (p.Leu2179Pro)

Gene: LRRK2 (leucine rich repeat kinase 2; plus strand). Cytogenetic location: 12q12.
Variant type: single nucleotide variant.
Coding change: c.6536T>C on transcript NM_198578.4 (MANE Select); coding-DNA position 6536, T replaced by C.
Protein change: p.Leu2179Pro; replaces leucine 2179 with proline.
Molecular consequence: missense variant.
Genome position (GRCh38, 1-based): chr12:40,351,693, T>C. VCF-style: chr12-40351693-T-C. GRCh37 (hg19) VCF-style: chr12-40745495-T-C.
Other names: short protein forms L2179P.
Identifiers: ClinVar variation 1754086 (VCV001754086.2), dbSNP rs2499982285, ClinGen allele CA384407377.

ClinVar aggregate classification (germline): Uncertain significance (1 of 4 stars; one submission).

Conditions:
Inborn genetic diseases. Identifiers: MedGen C0950123, MeSH D030342.

Submission:

Ambry Genetics
Classification: Uncertain significance for Inborn genetic diseases. Last evaluated: 2023-11-22. Review status: criteria provided, single submitter. Criteria: Ambry Variant Classification Scheme 2023. Collection method: clinical testing. Allele origin: germline.
Comment: The p.L2179P variant (also known as c.6536T>C), located in coding exon 44 of the LRRK2 gene, results from a T to C substitution at nucleotide position 6536. The leucine at codon 2179 is replaced by proline, an amino acid with similar properties. This amino acid position is conserved. In addition, this alteration is predicted to be deleterious by in silico analysis. Since supporting evidence is limited at this time, the clinical significance of this alteration remains unclear.